The following is an entry in ClinVar:

NM_000179.3(MSH6):c.-9G>C

Gene: MSH6 (mutS homolog 6; plus strand). Cytogenetic location: 2p16.3.
Variant type: single nucleotide variant.
Coding change: c.-9G>C on transcript NM_000179.3 (MANE Select); 9 bases upstream of the start codon, G replaced by C.
Molecular consequence: 5 prime UTR variant. On other transcripts: non-coding transcript variant (5).
Genome position (GRCh38, 1-based): chr2:47,783,225, G>C. VCF-style: chr2-47783225-G-C. GRCh37 (hg19) VCF-style: chr2-48010364-G-C.
Other names: c.-9G>C (NM_001281492.2, NM_001406795.1, NM_001406796.1 and 9 more transcripts); c.-745G>C (NM_001281493.2, NM_001406811.1); c.-44G>C (NM_001406797.1, NM_001406801.1, NM_001406805.1); c.-337G>C (NM_001406799.1); c.-64G>C (NM_001406804.1); c.-75G>C (NM_001406806.1); c.-937G>C (NM_001406807.1); c.-592G>C (NM_001406812.1); and 3 more.
Identifiers: ClinVar variation 3774401 (VCV003774401.1).

ClinVar aggregate classification (germline): Uncertain significance (1 of 4 stars; one submission).

Conditions:
Hereditary cancer-predisposing syndrome. Also called: Tumor predisposition; Hereditary Cancer Syndrome; Neoplastic Syndromes, Hereditary; Hereditary neoplastic syndrome. Identifiers: Orphanet 140162, MedGen C0027672, MeSH D009386, MONDO:0015356.

Submission:

Molecular Diagnostics Laboratory, Catalan Institute of Oncology
Classification: Uncertain significance for Hereditary cancer-predisposing syndrome. Last evaluated: 2024-09-24. Review status: criteria provided, single submitter. Criteria: MMR VCEP Paper Draft V3.1. Collection method: clinical testing. Allele origin: germline.
Comment: PM2_Supporting The c.-9G>C variant in the MSH6 gene alters a nucleotide located in the untranslated mRNA region upstream of the ATG translational start site of the gene. It does not change the encoded amino acid sequence of the MSH6 protein. It is not present in the population database gnomAD v2.1.1, non-cancer dataset (PM2_supporting). To our knowledge, neither clinical data nor functional studies have been reported for this variant. This variant has not been reported in ClinVar nor LOVD databases. Based on currently available information, the variant c.-9G>C should be considered an uncertain significance variant.